The following is an entry in ClinVar:

ClinVar aggregate classification (germline): Benign (1 of 4 stars; one submission).

Allele frequency attached by ClinVar (database versions not stated): gnomAD 0.18205 and 0.18894; TOPMed 0.19771; 1000 Genomes Project 30x 0.25999; 1000 Genomes Project 0.26238.
gnomAD v4.1: 28,692 of 152,212 alleles (19%); highest among the groups gnomAD compares: East Asian, 44%; 3,025 homozygotes.

Submission:

GeneDx
Classification: Benign. Last evaluated: 2018-06-19. Review status: criteria provided, single submitter. Criteria: GeneDx Variant Classification (06012015). Collection method: clinical testing. Allele origin: germline. Affected: yes.
Comment: This variant is considered likely benign or benign based on one or more of the following criteria: it is a conservative change, it occurs at a poorly conserved position in the protein, it is predicted to be benign by multiple in silico algorithms, and/or has population frequency not consistent with disease.

NM_177550.5(SLC13A5):c.548-291G>A

Gene: SLC13A5 (solute carrier family 13 member 5; minus strand). Cytogenetic location: 17p13.1.
Variant type: single nucleotide variant.
Coding change: c.548-291G>A on transcript NM_177550.5 (MANE Select); 291 bases into the intron before coding-DNA position 548, G replaced by A.
Molecular consequence: intron variant.
Genome position (GRCh38, 1-based): chr17:6,703,429, C>T on the plus strand (G>A on the coding strand, the complement: SLC13A5 is on the minus strand). VCF-style: chr17-6703429-C-T. GRCh37 (hg19) VCF-style: chr17-6606748-C-T.
Other names: c.419-291G>A (NM_001284510.2); c.497-291G>A (NM_001284509.2); c.548-291G>A (NM_001143838.3).
Identifiers: ClinVar variation 667464 (VCV000667464.1), dbSNP rs9906062, ClinGen allele CA14444406.
Genomic context (GRCh38, chr17:6,703,429, plus strand): 5'-CTACTGCACTGGGCTGGGGATGGTAAGGGAACACGGCAGACGGCAAGGTAGATGCTGACT[C>T]GTCTTCCCTGAGCTTCGCACCTAGCAGGGAAGCAAGCATGGGACGCCAAGCCCCAGACCT-3'